The following is an entry in ClinVar:

NM_002693.3(POLG):c.1023+16C>A

Gene: POLG (DNA polymerase gamma, catalytic subunit; minus strand). Cytogenetic location: 15q26.1.
Variant type: single nucleotide variant.
Coding change: c.1023+16C>A on transcript NM_002693.3 (MANE Select); 16 bases into the intron after coding-DNA position 1023, C replaced by A.
Molecular consequence: intron variant.
Genome position (GRCh38, 1-based): chr15:89,328,927, G>T on the plus strand (C>A on the coding strand, the complement: POLG is on the minus strand). VCF-style: chr15-89328927-G-T. GRCh37 (hg19) VCF-style: chr15-89872158-G-T.
Other names: c.1023+16C>A (NM_001126131.2).
Identifiers: ClinVar variation 2036046 (VCV002036046.4), dbSNP rs748111279, ClinGen allele CA2580090206.

ClinVar aggregate classification (germline): Uncertain significance (1 of 4 stars; one submission).

Conditions:
Progressive sclerosing poliodystrophy (MTDPS4A). Also called: Mitochondrial DNA Depletion Syndrome 4A; Alpers-Huttenlocher Syndrome (AHS); ALPERS PROGRESSIVE INFANTILE POLIODYSTROPHY; NEURONAL DEGENERATION OF CHILDHOOD WITH LIVER DISEASE, PROGRESSIVE; Alpers Syndrome; ALPERS DIFFUSE DEGENERATION OF CEREBRAL GRAY MATTER WITH HEPATIC CIRRHOSIS. Identifiers: Orphanet 726, MedGen C0205710, MONDO:0008758, OMIM 203700.

Submission:

Labcorp Genetics (formerly Invitae), Labcorp
Classification: Uncertain significance for Progressive sclerosing poliodystrophy. Last evaluated: 2022-10-19. Review status: criteria provided, single submitter. Criteria: Invitae Variant Classification Sherloc (09022015). Collection method: clinical testing. Allele origin: germline.
Comment: This sequence change falls in intron 4 of the POLG gene. It does not directly change the encoded amino acid sequence of the POLG protein. This variant is not present in population databases (gnomAD no frequency). This variant has not been reported in the literature in individuals affected with POLG-related conditions. Algorithms developed to predict the effect of sequence changes on RNA splicing suggest that this variant may create or strengthen a splice site. In summary, the available evidence is currently insufficient to determine the role of this variant in disease. Therefore, it has been classified as a Variant of Uncertain Significance.